The following is an entry in ClinVar:

NM_001379200.1(TBX1):c.527A>G (p.Asp176Gly)

Gene: TBX1 (T-box transcription factor 1; plus strand). Cytogenetic location: 22q11.21.
Variant type: single nucleotide variant.
Coding change: c.527A>G on transcript NM_001379200.1 (MANE Select); coding-DNA position 527, A replaced by G.
Protein change: p.Asp176Gly; replaces aspartic acid 176 with glycine.
Molecular consequence: missense variant.
Genome position (GRCh38, 1-based): chr22:19,763,330, A>G. VCF-style: chr22-19763330-A-G. GRCh37 (hg19) VCF-style: chr22-19750853-A-G.
Other names: c.500A>G, p.Asp167Gly (NM_005992.1, NM_080646.2, NM_080647.1); short protein forms D167G, D176G.
Identifiers: ClinVar variation 2844976 (VCV002844976.3), dbSNP rs2517847809, ClinGen allele CA410682389.

ClinVar aggregate classification (germline): Uncertain significance (1 of 4 stars; one submission).

Conditions:
DiGeorge syndrome. Also called: Catch22; THIRD AND FOURTH PHARYNGEAL POUCH SYNDROME. Identifiers: Orphanet 567, MedGen C0012236, MONDO:0008564, OMIM 188400.

Submission:

Labcorp Genetics (formerly Invitae), Labcorp
Classification: Uncertain significance for DiGeorge syndrome. Last evaluated: 2023-03-11. Review status: criteria provided, single submitter. Criteria: Invitae Variant Classification Sherloc (09022015). Collection method: clinical testing. Allele origin: germline.
Comment: Algorithms developed to predict the effect of sequence changes on RNA splicing suggest that this variant may disrupt the consensus splice site. In summary, the available evidence is currently insufficient to determine the role of this variant in disease. Therefore, it has been classified as a Variant of Uncertain Significance. Advanced modeling of protein sequence and biophysical properties (such as structural, functional, and spatial information, amino acid conservation, physicochemical variation, residue mobility, and thermodynamic stability) performed at Invitae indicates that this missense variant is not expected to disrupt TBX1 protein function. This variant has not been reported in the literature in individuals affected with TBX1-related conditions. This variant is not present in population databases (gnomAD no frequency). This sequence change replaces aspartic acid, which is acidic and polar, with glycine, which is neutral and non-polar, at codon 167 of the TBX1 protein (p.Asp167Gly).